The following is an entry in ClinVar:

ClinVar aggregate classification (germline): Uncertain significance (1 of 4 stars; one submission).

Submission:

Labcorp Genetics (formerly Invitae), Labcorp
Classification: Uncertain significance. Last evaluated: 2018-05-01. Review status: criteria provided, single submitter. Criteria: Invitae Variant Classification Sherloc (09022015). Collection method: clinical testing. Allele origin: germline.
Comment: In summary, the available evidence is currently insufficient to determine the role of this variant in disease. Therefore, it has been classified as a Variant of Uncertain Significance. Algorithms developed to predict the effect of missense changes on protein structure and function (SIFT, PolyPhen-2, Align-GVGD) all suggest that this variant is likely to be tolerated, but these predictions have not been confirmed by published functional studies and their clinical significance is uncertain. This variant has not been reported in the literature in individuals with POLE-related disease. ClinVar contains an entry for this variant (Variation ID: 240594). This variant is not present in population databases (ExAC no frequency). This sequence change replaces glutamic acid with alanine at codon 2141 of the POLE protein (p.Glu2141Ala). The glutamic acid residue is moderately conserved and there is a moderate physicochemical difference between glutamic acid and alanine.

NM_006231.4(POLE):c.6422_6423delinsCC (p.Glu2141Ala)

Gene: POLE (DNA polymerase epsilon, catalytic subunit; minus strand). Cytogenetic location: 12q24.33.
Variant type: Indel.
Coding change: c.6422_6423delinsCC on transcript NM_006231.4 (MANE Select); coding-DNA positions 6422 to 6423, AG replaced by CC.
Protein change: p.Glu2141Ala; replaces glutamic acid 2141 with alanine.
Molecular consequence: missense variant.
Genome position (GRCh38, 1-based): chr12:132,626,225-132,626,226, CT replaced by GG on the plus strand (AG replaced by CC on the coding strand, the reverse complement: POLE is on the minus strand). VCF-style: chr12-132626225-CT-GG. GRCh37 (hg19) VCF-style: chr12-133202811-CT-GG.
Other names: short protein forms E2141A.
Identifiers: ClinVar variation 240594 (VCV000240594.7), dbSNP rs878854892, ClinGen allele CA10582969.